The following is an entry in ClinVar:

NM_198253.3(TERT):c.110G>A (p.Arg37Gln)

Genes: TERT (telomerase reverse transcriptase; minus strand), LOC110806263 (TERT 5' regulatory region; plus strand). Cytogenetic location: 5p15.33.
Variant type: single nucleotide variant.
Coding change: c.110G>A on transcript NM_198253.3 (MANE Select); coding-DNA position 110, G replaced by A.
Protein change: p.Arg37Gln; replaces arginine 37 with glutamine.
Molecular consequence: missense variant. On other transcripts: non-coding transcript variant (2).
Genome position (GRCh38, 1-based): chr5:1,294,880, C>T on the plus strand (G>A on the coding strand, the complement: TERT is on the minus strand). VCF-style: chr5-1294880-C-T. GRCh37 (hg19) VCF-style: chr5-1294995-C-T.
Other names: c.110G>A, p.Arg37Gln (NM_001193376.3); short protein forms R37Q.
Identifiers: ClinVar variation 951097 (VCV000951097.8), dbSNP rs1239502548, ClinGen allele CA359059295.

ClinVar aggregate classification (germline): Uncertain significance. Review status: criteria provided, multiple submitters, no conflicts (2 of 4 stars). 3 submissions from 3 submitters: Uncertain significance (3). Last evaluated 2025-08-27.

Conditions:
Dyskeratosis congenita, autosomal dominant 2. Identifiers: MedGen C3151443, MONDO:0013521, OMIM 613989.
Idiopathic Pulmonary Fibrosis. Also called: Idiopathic fibrosing alveolitis, chronic form; idiopathic fibrosing alveolitis. Identifiers: Orphanet 2032, MedGen C1800706, MeSH D054990, MONDO:0800504.
Dyskeratosis congenita. Identifiers: Orphanet 1775, MedGen C0265965, MONDO:0015780.
Pulmonary fibrosis and/or bone marrow failure, Telomere-related, 1. Also called: PULMONARY FIBROSIS AND/OR BONE MARROW FAILURE SYNDROME, TELOMERE-RELATED, 1. Identifiers: Orphanet 88, MedGen C3553617, MONDO:0013878, OMIM 614742.
Melanoma, cutaneous malignant, susceptibility to, 9. Also called: Cutaneous malignant melanoma 9. Identifiers: Orphanet 618, MedGen C3554574, MONDO:0014056, OMIM 615134.
Acute myeloid leukemia (AML). Also called: Acute myeloid leukemia, adult; AML adult; Acute non-lymphocytic leukemia; Acute granulocytic leukemia; Leukemia, acute myelogenous, somatic; Leukemia, acute myeloid, somatic. Identifiers: Orphanet 519, MedGen C0023467, MeSH D015470, MONDO:0018874, OMIM 601626, HP:0004808. Disease mechanism: Constitutively activated FLT3.

gnomAD v4.1: 1 of 1,443,280 alleles (0.000069%); highest among the groups gnomAD compares: Admixed American, 0.0027%; no homozygotes.

Submissions (3):

Ambry Genetics
Classification: Uncertain significance for Dyskeratosis congenita. Last evaluated: 2025-08-27. Review status: criteria provided, single submitter. Criteria: Ambry Variant Classification Scheme 2023. Collection method: clinical testing. Allele origin: germline.

Fulgent Genetics
Classification: Uncertain significance for Acute myeloid leukemia; Dyskeratosis congenita, autosomal dominant 2; Pulmonary fibrosis and/or bone marrow failure, Telomere-related, 1; Melanoma, cutaneous malignant, susceptibility to, 9. Last evaluated: 2024-02-16. Review status: criteria provided, single submitter. Criteria: ACMG Guidelines, 2015. Collection method: clinical testing. Allele origin: germline.

Labcorp Genetics (formerly Invitae), Labcorp
Classification: Uncertain significance for Dyskeratosis congenita, autosomal dominant 2; Idiopathic Pulmonary Fibrosis. Last evaluated: 2022-09-04. Review status: criteria provided, single submitter. Criteria: Invitae Variant Classification Sherloc (09022015). Collection method: clinical testing. Allele origin: germline.
Comment: This sequence change replaces arginine, which is basic and polar, with glutamine, which is neutral and polar, at codon 37 of the TERT protein (p.Arg37Gln). This variant is not present in population databases (gnomAD no frequency). This variant has not been reported in the literature in individuals affected with TERT-related conditions. ClinVar contains an entry for this variant (Variation ID: 951097). Algorithms developed to predict the effect of missense changes on protein structure and function output the following: SIFT: "Tolerated"; PolyPhen-2: "Benign"; Align-GVGD: "Class C0". The glutamine amino acid residue is found in multiple mammalian species, which suggests that this missense change does not adversely affect protein function. In summary, the available evidence is currently insufficient to determine the role of this variant in disease. Therefore, it has been classified as a Variant of Uncertain Significance.